The following is an entry in ClinVar:

ClinVar aggregate classification (germline): Uncertain significance (1 of 4 stars; one submission).

Allele frequency attached by ClinVar (database versions not stated): gnomAD exomes below 0.00001.
gnomAD v4.1: 1 of 1,612,632 alleles (0.000062%); highest among the groups gnomAD compares: Admixed American, 0.0017%; no homozygotes.

Submission:

Ambry Genetics
Classification: Uncertain significance. Last evaluated: 2022-09-26. Review status: criteria provided, single submitter. Criteria: Ambry Variant Classification Scheme 2023. Collection method: clinical testing. Allele origin: germline.
Comment: The p.R210S variant (also known as c.630A>T), located in coding exon 8 of the BUB1 gene, results from an A to T substitution at nucleotide position 630. The arginine at codon 210 is replaced by serine, an amino acid with dissimilar properties. This amino acid position is conserved. In addition, this alteration is predicted to be tolerated by in silico analysis. Since supporting evidence is limited at this time, the clinical significance of this alteration remains unclear.

NM_004336.5(BUB1):c.630A>T (p.Arg210Ser)

Gene: BUB1 (BUB1 mitotic checkpoint serine/threonine kinase; minus strand). Cytogenetic location: 2q13.
Variant type: single nucleotide variant.
Coding change: c.630A>T on transcript NM_004336.5 (MANE Select); coding-DNA position 630, A replaced by T.
Protein change: p.Arg210Ser; replaces arginine 210 with serine.
Molecular consequence: missense variant.
Genome position (GRCh38, 1-based): chr2:110,667,696, T>A on the plus strand (A>T on the coding strand, the complement: BUB1 is on the minus strand). VCF-style: chr2-110667696-T-A. GRCh37 (hg19) VCF-style: chr2-111425273-T-A.
Other names: c.570A>T, p.Arg190Ser (NM_001278616.2); c.630A>T, p.Arg210Ser (NM_001278617.2); short protein forms R190S, R210S.
Identifiers: ClinVar variation 1752775 (VCV001752775.2), dbSNP rs1382810329, ClinGen allele CA348218098.